The following is an entry in ClinVar:

ClinVar aggregate classification (germline): Uncertain significance. Review status: criteria provided, multiple submitters, no conflicts (2 of 4 stars). 3 submissions from 3 submitters: Uncertain significance (3). Last evaluated 2025-08-07.

Conditions:
Spastic paraplegia. Identifiers: MedGen C0037772, HP:0001258.
Hereditary spastic paraplegia 15 (SPG15). Also called: SPASTIC PARAPLEGIA 15, AUTOSOMAL RECESSIVE; KJELLIN SYNDROME; SPASTIC PARAPLEGIA AND RETINAL DEGENERATION. Identifiers: Orphanet 100996, MedGen C1849128, MONDO:0010044, OMIM 270700.

Allele frequency attached by ClinVar (database versions not stated): gnomAD exomes 0.00009 and 0.00038; ExAC 0.00011; TOPMed 0.00019; gnomAD 0.00023 and 0.00024; ESP Exome Variant Server 0.00038.
gnomAD v4.1: 565 of 1,610,880 alleles (0.035%); highest among the groups gnomAD compares: Non-Finnish European, 0.047%; no homozygotes.

Submissions (3):

GeneDx
Classification: Uncertain significance. Last evaluated: 2025-08-07. Review status: criteria provided, single submitter. Criteria: GeneDx Variant Classification Process June 2021. Collection method: clinical testing. Allele origin: germline. Affected: yes.
Comment: In silico analysis suggests that this missense variant does not alter protein structure/function; Has not been previously published as pathogenic or benign to our knowledge; This variant is associated with the following publications: (PMID: 26898890)

Labcorp Genetics (formerly Invitae), Labcorp
Classification: Uncertain significance for Spastic paraplegia. Last evaluated: 2022-06-24. Review status: criteria provided, single submitter. Criteria: Invitae Variant Classification Sherloc (09022015). Collection method: clinical testing. Allele origin: germline.
Comment: This sequence change replaces asparagine, which is neutral and polar, with lysine, which is basic and polar, at codon 2 of the ZFYVE26 protein (p.Asn2Lys). This variant is present in population databases (rs150603522, gnomAD 0.03%). This missense change has been observed in individual(s) with clinical features of hereditary spastic paraplegia (Invitae). ClinVar contains an entry for this variant (Variation ID: 313936). Algorithms developed to predict the effect of missense changes on protein structure and function (SIFT, PolyPhen-2, Align-GVGD) all suggest that this variant is likely to be tolerated. In summary, the available evidence is currently insufficient to determine the role of this variant in disease. Therefore, it has been classified as a Variant of Uncertain Significance.

Illumina Laboratory Services, Illumina
Classification: Uncertain significance for Hereditary spastic paraplegia 15. Last evaluated: 2018-01-13. Review status: criteria provided, single submitter. Criteria: ICSL Variant Classification Criteria 13 December 2019. Collection method: clinical testing. Allele origin: germline.

NM_015346.4(ZFYVE26):c.6T>A (p.Asn2Lys)

Gene: ZFYVE26 (zinc finger FYVE-type containing 26; minus strand). Cytogenetic location: 14q24.1.
Variant type: single nucleotide variant.
Coding change: c.6T>A on transcript NM_015346.4 (MANE Select); coding-DNA position 6, T replaced by A.
Protein change: p.Asn2Lys; replaces asparagine 2 with lysine.
Molecular consequence: missense variant.
Genome position (GRCh38, 1-based): chr14:67,815,958, A>T on the plus strand (T>A on the coding strand, the complement: ZFYVE26 is on the minus strand). VCF-style: chr14-67815958-A-T. GRCh37 (hg19) VCF-style: chr14-68282675-A-T.
Other names: short protein forms N2K.
Identifiers: ClinVar variation 313936 (VCV000313936.7), dbSNP rs150603522, ClinGen allele CA7240907.
Genomic context (GRCh38, chr14:67,815,958, plus strand): 5'-TTCGCAGAAAAATCCAAAAAGCTGCTTCTGCGAAGCAGCTTCCTCTTTTCCAAATGGATG[A>T]TTCATTTTCCCAGCACAGAGTGCAGGGAGATACAAAGAAATGAGTTATGCCGAACACATT-3'
Protein context (NP_056161.2, residues 1-12): M[Asn2Lys]HPFGKEEAAS